The following is an entry in ClinVar:

ClinVar aggregate classification (germline): Uncertain significance (1 of 4 stars; one submission).

Conditions:
Inborn genetic diseases. Identifiers: MedGen C0950123, MeSH D030342.

Submission:

Ambry Genetics
Classification: Uncertain significance for Inborn genetic diseases. Last evaluated: 2024-12-19. Review status: criteria provided, single submitter. Criteria: Ambry Variant Classification Scheme 2023. Collection method: clinical testing. Allele origin: germline.
Comment: The p.V37M variant (also known as c.109G>A), located in coding exon 1 of the KDM1A gene, results from a G to A substitution at nucleotide position 109. The valine at codon 37 is replaced by methionine, an amino acid with highly similar properties. This amino acid position is conserved. In addition, this alteration is predicted to be tolerated by in silico analysis. Based on the available evidence, the clinical significance of this variant remains unclear.

NM_001009999.3(KDM1A):c.109G>A (p.Val37Met)

Gene: KDM1A (lysine demethylase 1A; plus strand). Cytogenetic location: 1p36.12.
Variant type: single nucleotide variant.
Coding change: c.109G>A on transcript NM_001009999.3 (MANE Select); coding-DNA position 109, G replaced by A.
Protein change: p.Val37Met; replaces valine 37 with methionine.
Molecular consequence: missense variant.
Genome position (GRCh38, 1-based): chr1:23,019,705, G>A. VCF-style: chr1-23019705-G-A. GRCh37 (hg19) VCF-style: chr1-23346198-G-A.
Other names: c.109G>A, p.Val37Met (NM_001363654.2, NM_001410762.1, NM_001410763.1 and 1 more transcripts); short protein forms V37M.
Identifiers: ClinVar variation 3863215 (VCV003863215.1).